The following is an entry in ClinVar:

NM_002734.5(PRKAR1A):c.658A>C (p.Asn220His)

Gene: PRKAR1A (protein kinase cAMP-dependent type I regulatory subunit alpha; plus strand). Cytogenetic location: 17q24.2.
Variant type: single nucleotide variant.
Coding change: c.658A>C on transcript NM_002734.5 (MANE Select); coding-DNA position 658, A replaced by C.
Protein change: p.Asn220His; replaces asparagine 220 with histidine.
Molecular consequence: missense variant.
Genome position (GRCh38, 1-based): chr17:68,525,862, A>C. VCF-style: chr17-68525862-A-C. GRCh37 (hg19) VCF-style: chr17-66522003-A-C.
Other names: c.658A>C, p.Asn220His (NM_001276289.2, NM_001276290.1, NM_001278433.2 and 4 more transcripts); short protein forms N220H.
Identifiers: ClinVar variation 837875 (VCV000837875.9), dbSNP rs2085773408, ClinGen allele CA400753287.

ClinVar aggregate classification (germline): Uncertain significance (1 of 4 stars; one submission).

Conditions:
Carney complex, type 1 (CNC1). Also called: CARNEY MYXOMA-ENDOCRINE COMPLEX; CARNEY COMPLEX, TYPE I. Identifiers: Orphanet 1359, MedGen C2607929, MONDO:0008057, OMIM 160980.

Submission:

Labcorp Genetics (formerly Invitae), Labcorp
Classification: Uncertain significance for Carney complex, type 1. Last evaluated: 2022-01-06. Review status: criteria provided, single submitter. Criteria: Invitae Variant Classification Sherloc (09022015). Collection method: clinical testing. Allele origin: germline.
Comment: This sequence change replaces asparagine, which is neutral and polar, with histidine, which is basic and polar, at codon 220 of the PRKAR1A protein (p.Asn220His). This variant is not present in population databases (gnomAD no frequency). This variant has not been reported in the literature in individuals affected with PRKAR1A-related conditions. ClinVar contains an entry for this variant (Variation ID: 837875). Algorithms developed to predict the effect of missense changes on protein structure and function are either unavailable or do not agree on the potential impact of this missense change (SIFT: "Deleterious"; PolyPhen-2: "Benign"; Align-GVGD: "Class C25"). In summary, the available evidence is currently insufficient to determine the role of this variant in disease. Therefore, it has been classified as a Variant of Uncertain Significance.